The following is an entry in ClinVar:

ClinVar aggregate classification (germline): Pathogenic. Review status: criteria provided, single submitter (1 of 4 stars). 2 submissions from 2 submitters: Pathogenic (1). 1 of the submissions does not count toward it. Last evaluated 2024-08-30.

Conditions:
Cryopyrin associated periodic syndrome (CAPS). Identifiers: Orphanet 208650, MedGen C2316212, MONDO:0016168.
Familial cold autoinflammatory syndrome 1 (FCAS1). Also called: Familial cold inflammatory syndrome 1; CRYOPYRIN-ASSOCIATED PERIODIC SYNDROME 1. Identifiers: Orphanet 47045, MedGen C4551895, MONDO:0007349, OMIM 120100.

Submissions (2):

Labcorp Genetics (formerly Invitae), Labcorp
Classification: Pathogenic for Cryopyrin associated periodic syndrome. Last evaluated: 2024-08-30. Review status: criteria provided, single submitter. Criteria: Invitae Variant Classification Sherloc (09022015). Collection method: clinical testing. Allele origin: germline.
Comment: This sequence change replaces glutamic acid, which is acidic and polar, with lysine, which is basic and polar, at codon 527 of the NLRP3 protein (p.Glu527Lys). This variant is not present in population databases (gnomAD no frequency). This missense change has been observed in individuals with NLRP3-related disease (PMID: 16081838, 20472245, 26245507, 29378952). This variant is also known as p.Glu525Lys. ClinVar contains an entry for this variant (Variation ID: 97939). Invitae Evidence Modeling of protein sequence and biophysical properties (such as structural, functional, and spatial information, amino acid conservation, physicochemical variation, residue mobility, and thermodynamic stability) indicates that this missense variant is expected to disrupt NLRP3 protein function with a positive predictive value of 95%. For these reasons, this variant has been classified as Pathogenic.

Unité médicale des maladies autoinflammatoires, CHRU Montpellier
No classification provided. Condition: Familial cold urticaria. Review status: no classification provided. Collection method: not provided. Allele origin: unknown. Not counted in ClinVar's aggregate classification.
Comment: also involved in OMIM 191900 and 607115

Literature cited by the submitters: PubMed 16081838 (cited by Labcorp Genetics (formerly Invitae), Labcorp); PubMed 20472245 (cited by Labcorp Genetics (formerly Invitae), Labcorp); PubMed 26245507 (cited by Labcorp Genetics (formerly Invitae), Labcorp); PubMed 29378952 (cited by Labcorp Genetics (formerly Invitae), Labcorp).

NM_001243133.2(NLRP3):c.1573G>A (p.Glu525Lys)

Gene: NLRP3 (NLR family pyrin domain containing 3; plus strand). Cytogenetic location: 1q44.
Variant type: single nucleotide variant.
Coding change: c.1573G>A on transcript NM_001243133.2 (MANE Select); coding-DNA position 1573, G replaced by A.
Protein change: p.Glu525Lys; replaces glutamic acid 525 with lysine.
Molecular consequence: missense variant.
Genome position (GRCh38, 1-based): chr1:247,425,022, G>A. VCF-style: chr1-247425022-G-A. GRCh37 (hg19) VCF-style: chr1-247588324-G-A.
Other names: c.1573G>A, p.Glu525Lys (NM_001079821.3, NM_001127461.3, NM_001127462.3 and 1 more transcripts); c.1579G>A, p.Glu527Lys (NM_004895.5); short protein forms E527K, E525K.
Identifiers: ClinVar variation 97939 (VCV000097939.7), dbSNP rs180177458, ClinGen allele CA281234.
Genomic context (GRCh38, chr1:247,425,022, plus strand): 5'-CTGTTCCAAAAGGAAGTGGACTGCGAGAAGTTCTACAGCTTCATCCACATGACTTTCCAG[G>A]AGTTCTTTGCCGCCATGTACTACCTGCTGGAAGAGGAAAAGGAAGGAAGGACGAACGTTC-3'
Protein context (NP_001230062.1, residues 515-535): FYSFIHMTFQ[Glu525Lys]FFAAMYYLLE